The following is an entry in ClinVar:

ClinVar aggregate classification (germline): Uncertain significance (1 of 4 stars; one submission).

Conditions:
Microcephaly, normal intelligence and immunodeficiency (NBS). Also called: BERLIN BREAKAGE SYNDROME; Immunodeficiency, microcephaly with normal intelligence; SEEMANOVA SYNDROME II; Ataxia telangiectasia variant V1; Nijmegen breakage syndrome; IMMUNODEFICIENCY, MICROCEPHALY, AND CHROMOSOMAL INSTABILITY. Identifiers: Orphanet 647, MedGen C0398791, MONDO:0009623, OMIM 251260.

Submission:

Labcorp Genetics (formerly Invitae), Labcorp
Classification: Uncertain significance for Microcephaly, normal intelligence and immunodeficiency. Last evaluated: 2024-06-10. Review status: criteria provided, single submitter. Criteria: Invitae Variant Classification Sherloc (09022015). Collection method: clinical testing. Allele origin: germline.
Comment: This sequence change replaces aspartic acid, which is acidic and polar, with asparagine, which is neutral and polar, at codon 741 of the NBN protein (p.Asp741Asn). This variant is not present in population databases (gnomAD no frequency). This variant has not been reported in the literature in individuals affected with NBN-related conditions. ClinVar contains an entry for this variant (Variation ID: 655073). An algorithm developed to predict the effect of missense changes on protein structure and function (PolyPhen-2) suggests that this variant is likely to be disruptive. Algorithms developed to predict the effect of sequence changes on RNA splicing suggest that this variant may disrupt the consensus splice site. In summary, the available evidence is currently insufficient to determine the role of this variant in disease. Therefore, it has been classified as a Variant of Uncertain Significance.

NM_002485.5(NBN):c.2221G>A (p.Asp741Asn)

Gene: NBN (nibrin; minus strand). Cytogenetic location: 8q21.3.
Variant type: single nucleotide variant.
Coding change: c.2221G>A on transcript NM_002485.5 (MANE Select); coding-DNA position 2221, G replaced by A.
Protein change: p.Asp741Asn; replaces aspartic acid 741 with asparagine.
Molecular consequence: missense variant.
Genome position (GRCh38, 1-based): chr8:89,937,039, C>T on the plus strand (G>A on the coding strand, the complement: NBN is on the minus strand). VCF-style: chr8-89937039-C-T. GRCh37 (hg19) VCF-style: chr8-90949267-C-T.
Other names: c.1975G>A, p.Asp659Asn (NM_001024688.3); short protein forms D659N, D741N.
Identifiers: ClinVar variation 655073 (VCV000655073.8), dbSNP rs1586024237, ClinGen allele CA371674765.